The following is an entry in ClinVar:

ClinVar aggregate classification (germline): Uncertain significance (1 of 4 stars; one submission).

gnomAD v4.1: 2 of 1,601,352 alleles (0.00012%); highest among the groups gnomAD compares: Non-Finnish European, 0.00017%; no homozygotes.

Submission:

Ambry Genetics
Classification: Uncertain significance. Last evaluated: 2025-03-29. Review status: criteria provided, single submitter. Criteria: Ambry Variant Classification Scheme 2023. Collection method: clinical testing. Allele origin: germline.
Comment: The p.H431R variant (also known as c.1292A>G), located in coding exon 12 of the GEN1 gene, results from an A to G substitution at nucleotide position 1292. The histidine at codon 431 is replaced by arginine, an amino acid with highly similar properties. This amino acid position is conserved. In addition, this alteration is predicted to be tolerated by in silico analysis. Based on the available evidence, the clinical significance of this variant remains unclear.

NM_001130009.3(GEN1):c.1292A>G (p.His431Arg)

Gene: GEN1 (GEN1 Holliday junction 5' flap endonuclease; plus strand). Cytogenetic location: 2p24.2.
Variant type: single nucleotide variant.
Coding change: c.1292A>G on transcript NM_001130009.3 (MANE Select); coding-DNA position 1292, A replaced by G.
Protein change: p.His431Arg; replaces histidine 431 with arginine.
Molecular consequence: missense variant.
Genome position (GRCh38, 1-based): chr2:17,780,005, A>G. VCF-style: chr2-17780005-A-G. GRCh37 (hg19) VCF-style: chr2-17961272-A-G.
Other names: c.1292A>G, p.His431Arg (NM_182625.5); short protein forms H431R.
Identifiers: ClinVar variation 4029174 (VCV004029174.1).